The following is an entry in ClinVar:

NM_004519.4(KCNQ3):c.2329C>T (p.Arg777Trp)

Gene: KCNQ3 (potassium voltage-gated channel subfamily Q member 3; minus strand). Cytogenetic location: 8q24.22.
Variant type: single nucleotide variant.
Coding change: c.2329C>T on transcript NM_004519.4 (MANE Select); coding-DNA position 2329, C replaced by T.
Protein change: p.Arg777Trp; replaces arginine 777 with tryptophan.
Molecular consequence: missense variant.
Genome position (GRCh38, 1-based): chr8:132,129,552, G>A on the plus strand (C>T on the coding strand, the complement: KCNQ3 is on the minus strand). VCF-style: chr8-132129552-G-A. GRCh37 (hg19) VCF-style: chr8-133141799-G-A.
Other names: c.1969C>T, p.Arg657Trp (NM_001204824.2); short protein forms R777W, R657W.
Identifiers: ClinVar variation 647590 (VCV000647590.10), dbSNP rs776128068, ClinGen allele CA4880462.

ClinVar aggregate classification (germline): Uncertain significance. Review status: criteria provided, multiple submitters, no conflicts (2 of 4 stars). 3 submissions from 3 submitters: Uncertain significance (3). Last evaluated 2023-11-22.

Conditions:
Benign neonatal seizures. Also called: Benign familial neonatal epilepsy; Benign familial neonatal seizures; Convulsions benign familial neonatal dominant form; Autosomal dominant form of benign neonatal seizures; Benign neonatal familial convulsions. Identifiers: Orphanet 1949, MedGen C0220669, MONDO:0016027.

Allele frequency attached by ClinVar (database versions not stated): ExAC 0.00002; gnomAD exomes 0.00002; 1000 Genomes Project 30x 0.00016.
gnomAD v4.1: 12 of 1,614,122 alleles (0.00074%); highest among the groups gnomAD compares: African/African-American, 0.0027%; no homozygotes.

Submissions (3):

Blueprint Genetics
Classification: Uncertain significance. Last evaluated: 2023-11-22. Review status: criteria provided, single submitter. Criteria: ACMG Guidelines, 2015. Collection method: clinical testing. Allele origin: germline.

Labcorp Genetics (formerly Invitae), Labcorp
Classification: Uncertain significance for Benign neonatal seizures. Last evaluated: 2023-08-14. Review status: criteria provided, single submitter. Criteria: Invitae Variant Classification Sherloc (09022015). Collection method: clinical testing. Allele origin: germline.
Comment: Advanced modeling of protein sequence and biophysical properties (such as structural, functional, and spatial information, amino acid conservation, physicochemical variation, residue mobility, and thermodynamic stability) performed at Invitae indicates that this missense variant is not expected to disrupt KCNQ3 protein function. ClinVar contains an entry for this variant (Variation ID: 647590). This variant has not been reported in the literature in individuals affected with KCNQ3-related conditions. This variant is present in population databases (rs776128068, gnomAD 0.006%). This sequence change replaces arginine, which is basic and polar, with tryptophan, which is neutral and slightly polar, at codon 777 of the KCNQ3 protein (p.Arg777Trp). In summary, the available evidence is currently insufficient to determine the role of this variant in disease. Therefore, it has been classified as a Variant of Uncertain Significance.

GeneDx
Classification: Uncertain significance. Last evaluated: 2023-04-28. Review status: criteria provided, single submitter. Criteria: GeneDx Variant Classification Process June 2021. Collection method: clinical testing. Allele origin: germline. Affected: yes.
Comment: In silico analysis supports that this missense variant does not alter protein structure/function; Has not been previously published as pathogenic or benign to our knowledge